The following is an entry in ClinVar:

NM_003392.7(WNT5A):c.986C>T (p.Ser329Leu)

Gene: WNT5A (Wnt family member 5A; minus strand). Cytogenetic location: 3p14.3.
Variant type: single nucleotide variant.
Coding change: c.986C>T on transcript NM_003392.7 (MANE Select); coding-DNA position 986, C replaced by T.
Protein change: p.Ser329Leu; replaces serine 329 with leucine.
Molecular consequence: missense variant.
Genome position (GRCh38, 1-based): chr3:55,470,249, G>A on the plus strand (C>T on the coding strand, the complement: WNT5A is on the minus strand). VCF-style: chr3-55470249-G-A. GRCh37 (hg19) VCF-style: chr3-55504277-G-A.
Other names: c.941C>T, p.Ser314Leu (NM_001256105.1, NM_001377271.1, NM_001377272.1); short protein forms S314L, S329L.
Identifiers: ClinVar variation 3605790 (VCV003605790.2).

ClinVar aggregate classification (germline): Uncertain significance (1 of 4 stars; one submission).

gnomAD v4.1: 5 of 1,614,088 alleles (0.00031%); highest among the groups gnomAD compares: African/African-American, 0.0013%; no homozygotes.

Submission:

Labcorp Genetics (formerly Invitae), Labcorp
Classification: Uncertain significance. Last evaluated: 2024-08-09. Review status: criteria provided, single submitter. Criteria: Invitae Variant Classification Sherloc (09022015). Collection method: clinical testing. Allele origin: germline.
Comment: This sequence change replaces serine, which is neutral and polar, with leucine, which is neutral and non-polar, at codon 329 of the WNT5A protein (p.Ser329Leu). This variant is present in population databases (rs375700896, gnomAD 0.002%). This variant has not been reported in the literature in individuals affected with WNT5A-related conditions. Advanced modeling of protein sequence and biophysical properties (such as structural, functional, and spatial information, amino acid conservation, physicochemical variation, residue mobility, and thermodynamic stability) has been performed at Invitae for this missense variant, however the output from this modeling did not meet the statistical confidence thresholds required to predict the impact of this variant on WNT5A protein function. In summary, the available evidence is currently insufficient to determine the role of this variant in disease. Therefore, it has been classified as a Variant of Uncertain Significance.